The following is an entry in ClinVar:

ClinVar aggregate classification (germline): Uncertain significance. Review status: criteria provided, multiple submitters, no conflicts (2 of 4 stars). 3 submissions from 3 submitters: Uncertain significance (3). Last evaluated 2026-08-19.

Conditions:
NYX-related disorder. Also called: NYX-related condition.
Congenital stationary night blindness 1A (CSNB1A). Also called: NYX-Related X-Linked Congenital Stationary Night Blindness; CSNB, COMPLETE, X-LINKED; MYOPIA-NIGHT BLINDNESS; NIGHT BLINDNESS, CONGENITAL STATIONARY, WITH MYOPIA; HEMERALOPIA-MYOPIA; Night blindness, congenital stationary (complete), 1A, X-linked. Identifiers: Orphanet 215, MedGen C3495587, MONDO:0010690, OMIM 310500.

Allele frequency attached by ClinVar (database versions not stated): gnomAD exomes 0.00001; TOPMed 0.00002; gnomAD 0.00003; ESP Exome Variant Server 0.00010.
gnomAD v4.1: 102 of 1,202,420 alleles (0.0085%); highest among the groups gnomAD compares: Non-Finnish European, 0.011%; no homozygotes.

Submissions (3):

PreventionGenetics, part of Exact Sciences
Classification: Uncertain significance for NYX-related condition. Last evaluated: 2026-08-19. Review status: criteria provided, single submitter. Criteria: ACMG Guidelines, 2015. Collection method: clinical testing. Allele origin: germline.
Comment: The NYX c.802C>G variant is predicted to result in the amino acid substitution p.Arg268Gly. To our knowledge, this variant has not been reported in the literature. However, this variant is reported in 0.0014% of alleles in individuals of European (Non-Finnish) descent in gnomAD, including 29 hemizygotes in the newest version of the database (v4.1). Although we suspect that this variant may be benign, at this time, the clinical significance of this variant is uncertain due to the absence of conclusive functional and genetic evidence.

Labcorp Genetics (formerly Invitae), Labcorp
Classification: Uncertain significance. Last evaluated: 2025-12-15. Review status: criteria provided, single submitter. Criteria: Invitae Variant Classification Sherloc (09022015). Collection method: clinical testing. Allele origin: germline.
Comment: This sequence change replaces arginine, which is basic and polar, with glycine, which is neutral and non-polar, at codon 268 of the NYX protein (p.Arg268Gly). This variant is present in population databases (rs375834225, gnomAD 0.001%). This variant has not been reported in the literature in individuals affected with NYX-related conditions. ClinVar contains an entry for this variant (Variation ID: 914666). Invitae Evidence Modeling of protein sequence and biophysical properties (such as structural, functional, and spatial information, amino acid conservation, physicochemical variation, residue mobility, and thermodynamic stability) indicates that this missense variant is not expected to disrupt NYX protein function with a negative predictive value of 80%. In summary, the available evidence is currently insufficient to determine the role of this variant in disease. Therefore, it has been classified as a Variant of Uncertain Significance.

Illumina Laboratory Services, Illumina
Classification: Uncertain significance for Congenital stationary night blindness 1A. Last evaluated: 2018-01-12. Review status: criteria provided, single submitter. Criteria: ICSL Variant Classification Criteria 13 December 2019. Collection method: clinical testing. Allele origin: germline.

NM_001378477.3(NYX):c.787C>G (p.Arg263Gly)

Gene: NYX (nyctalopin; plus strand). Cytogenetic location: Xp11.4.
Variant type: single nucleotide variant.
Coding change: c.787C>G on transcript NM_001378477.3 (MANE Select); coding-DNA position 787, C replaced by G.
Protein change: p.Arg263Gly; replaces arginine 263 with glycine.
Molecular consequence: missense variant.
Genome position (GRCh38, 1-based): chrX:41,474,255, C>G. VCF-style: chrX-41474255-C-G. GRCh37 (hg19) VCF-style: chrX-41333508-C-G.
Other names: c.787C>G, p.Arg263Gly (NM_022567.3); short protein forms R268G, R263G.
Identifiers: ClinVar variation 914666 (VCV000914666.13), dbSNP rs375834225, ClinGen allele CA10389859.
Genomic context (GRCh38, chrX:41,474,255, plus strand): 5'-GACGCCTTCCGCGGCCTGCGGCGCCTGCGCACGCTCAACCTGGGTGGCAACGCGCTGGAC[C>G]GCGTGGCGCGCGCCTGGTTCGCTGACCTGGCCGAGCTCGAGCTGCTCTACCTGGACCGCA-3'
Protein context (NP_001365406.2, residues 253-273): TLNLGGNALD[Arg263Gly]VARAWFADLA